The following is an entry in ClinVar:

NM_001374736.1(DST):c.139C>G (p.His47Asp)

Gene: DST (dystonin; minus strand). Cytogenetic location: 6p12.1.
Variant type: single nucleotide variant.
Coding change: c.139C>G on transcript NM_001374736.1 (MANE Select); coding-DNA position 139, C replaced by G.
Protein change: p.His47Asp; replaces histidine 47 with aspartic acid.
Molecular consequence: missense variant.
Genome position (GRCh38, 1-based): chr6:56,954,449, G>C on the plus strand (C>G on the coding strand, the complement: DST is on the minus strand). VCF-style: chr6-56954449-G-C. GRCh37 (hg19) VCF-style: chr6-56819247-G-C.
Other names: c.139C>G, p.His47Asp (NM_001144769.5, NM_001374722.1, NM_001374734.1); short protein forms H47D.
Identifiers: ClinVar variation 4977261 (VCV004977261.1).

ClinVar aggregate classification (germline): Uncertain significance (1 of 4 stars; one submission).

Conditions:
DST-related disorder. Also called: DST-related condition; DST-related disorders.

gnomAD v4.1: 32 of 1,367,452 alleles (0.0023%); highest among the groups gnomAD compares: Non-Finnish European, 0.0031%; no homozygotes.

Submission:

PreventionGenetics, part of Exact Sciences
Classification: Uncertain significance for DST-related condition. Last evaluated: 2025-09-09. Review status: criteria provided, single submitter. Criteria: ACMG Guidelines, 2015. Collection method: clinical testing. Allele origin: germline.
Comment: The DST c.139C>G variant is predicted to result in the amino acid substitution p.His47Asp. To our knowledge, this variant has not been reported in the literature. This variant is reported in 0.0054% of alleles in individuals of European (Non-Finnish) descent in gnomAD. At this time, the clinical significance of this variant is uncertain due to the absence of conclusive functional and genetic evidence.